The following is an entry in ClinVar:

ClinVar aggregate classification (germline): Likely benign (1 of 4 stars; one submission).

gnomAD v4.1: 9 of 1,612,988 alleles (0.00056%); highest among the groups gnomAD compares: Admixed American, 0.013%; no homozygotes.

Submission:

CeGaT Center for Human Genetics Tuebingen
Classification: Likely benign. Last evaluated: 2026-10-01. Review status: criteria provided, single submitter. Criteria: CeGaT Center For Human Genetics Tuebingen Variant Classification Criteria Version 2. Collection method: clinical testing. Allele origin: germline. Affected: yes. Observed: 1 variant allele.
Comment: LPAR6: BP4, BP7

NM_001162498.3(LPAR6):c.582T>C (p.Phe194=)

Genes: LPAR6 (lysophosphatidic acid receptor 6; minus strand), RB1 (RB transcriptional corepressor 1; plus strand). Cytogenetic location: 13q14.2.
Variant type: single nucleotide variant.
Coding change: c.582T>C on transcript NM_001162498.3 (MANE Select); coding-DNA position 582, T replaced by C.
Protein change: p.Phe194=; no amino-acid change (phenylalanine 194 retained).
Molecular consequence: synonymous variant. On other transcripts: intron variant (2).
Genome position (GRCh38, 1-based): chr13:48,411,842, A>G on the plus strand (T>C on the coding strand, the complement: LPAR6 is on the minus strand). VCF-style: chr13-48411842-A-G. GRCh37 (hg19) VCF-style: chr13-48985978-A-G.
Other names: c.582T>C, p.Phe194= (NM_001162497.3, NM_001377316.2, NM_001377317.2 and 1 more transcripts); c.1695+30399A>G (NM_001407165.1, NM_000321.3).
Identifiers: ClinVar variation 5041798 (VCV005041798.1).